The following is an entry in ClinVar:

ClinVar aggregate classification (germline): Pathogenic. Review status: criteria provided, multiple submitters, no conflicts (2 of 4 stars). 2 submissions from 2 submitters: Pathogenic (2). Last evaluated 2025-02-21.

Conditions:
Lissencephaly 4 (LIS4). Also called: Lissencephaly 4 (with microcephaly). Identifiers: Orphanet 1083, MedGen C3151461, MONDO:0013527, OMIM 614019.

Allele frequency attached by ClinVar (database versions not stated): gnomAD exomes 0.00001; TOPMed 0.00005.
gnomAD v4.1: 12 of 1,613,964 alleles (0.00074%); highest among the groups gnomAD compares: Admixed American, 0.0033%; no homozygotes.

Submissions (2):

GeneDx
Classification: Pathogenic. Last evaluated: 2025-02-21. Review status: criteria provided, single submitter. Criteria: GeneDx Variant Classification Process June 2021. Collection method: clinical testing. Allele origin: germline. Affected: yes.
Comment: Nonsense variant predicted to result in protein truncation or nonsense mediated decay in a gene for which loss of function is a known mechanism of disease; Not observed at significant frequency in large population cohorts (gnomAD); Has not been previously published as pathogenic or benign in association with NDE1-related disorders to our knowledge; This variant is associated with the following publications: (PMID: 31589614)

Baylor Genetics
Classification: Pathogenic for Lissencephaly 4. Last evaluated: 2018-08-09. Review status: criteria provided, single submitter. Criteria: ACMG Guidelines, 2015. Collection method: clinical testing. Allele origin: paternal. Affected: yes.
Comment: This variant was determined to be pathogenic according to ACMG Guidelines, 2015 [PMID:25741868].

NM_017668.3(NDE1):c.109C>T (p.Arg37Ter)

Gene: NDE1 (nudE neurodevelopment protein 1; plus strand). Cytogenetic location: 16p13.11.
Variant type: single nucleotide variant.
Coding change: c.109C>T on transcript NM_017668.3 (MANE Select); coding-DNA position 109, C replaced by T.
Protein change: p.Arg37Ter; replaces arginine 37 with a stop codon.
Molecular consequence: nonsense.
Genome position (GRCh38, 1-based): chr16:15,667,311, C>T. VCF-style: chr16-15667311-C-T. GRCh37 (hg19) VCF-style: chr16-15761168-C-T.
Other names: c.109C>T, p.Arg37Ter (NM_001143979.2); short protein forms R37*.
Identifiers: ClinVar variation 620567 (VCV000620567.6), dbSNP rs757604577, ClinGen allele CA7920504.